The following is an entry in ClinVar:

NM_000135.4(FANCA):c.1253C>G (p.Ala418Gly)

Gene: FANCA (FA complementation group A; minus strand). Cytogenetic location: 16q24.3.
Variant type: single nucleotide variant.
Coding change: c.1253C>G on transcript NM_000135.4 (MANE Select); coding-DNA position 1253, C replaced by G.
Protein change: p.Ala418Gly; replaces alanine 418 with glycine.
Molecular consequence: missense variant.
Genome position (GRCh38, 1-based): chr16:89,791,509, G>C on the plus strand (C>G on the coding strand, the complement: FANCA is on the minus strand). VCF-style: chr16-89791509-G-C. GRCh37 (hg19) VCF-style: chr16-89857917-G-C.
Other names: c.1253C>G, p.Ala418Gly (NM_001286167.3); short protein forms A418G.
Identifiers: ClinVar variation 4022142 (VCV004022142.1).

ClinVar aggregate classification (germline): Uncertain significance (1 of 4 stars; one submission).

Conditions:
Inborn genetic diseases. Identifiers: MedGen C0950123, MeSH D030342.

Submission:

Ambry Genetics
Classification: Uncertain significance for Inborn genetic diseases. Last evaluated: 2025-04-01. Review status: criteria provided, single submitter. Criteria: Ambry Variant Classification Scheme 2023. Collection method: clinical testing. Allele origin: germline.
Comment: The p.A418G variant (also known as c.1253C>G), located in coding exon 14 of the FANCA gene, results from a C to G substitution at nucleotide position 1253. The alanine at codon 418 is replaced by glycine, an amino acid with similar properties. This amino acid position is conserved. In addition, this alteration is predicted to be deleterious by in silico analysis. Based on the available evidence, the clinical significance of this variant remains unclear.